The following is an entry in ClinVar:

ClinVar aggregate classification (germline): Uncertain significance. Review status: criteria provided, multiple submitters, no conflicts (2 of 4 stars). 6 submissions from 6 submitters: Uncertain significance (6). Last evaluated 2025-07-09.

Conditions:
Hereditary cancer-predisposing syndrome. Also called: Hereditary Cancer Syndrome; Neoplastic Syndromes, Hereditary; Tumor predisposition; Hereditary neoplastic syndrome. Identifiers: Orphanet 140162, MedGen C0027672, MeSH D009386, MONDO:0015356.
Familial cancer of breast. Also called: BREAST CANCER, FAMILIAL; Hereditary breast cancer; hereditary breast carcinoma. Identifiers: Orphanet 227535, MedGen C0346153, MONDO:0016419, OMIM 114480. Disease mechanism: loss of function.
Fanconi anemia complementation group J. Also called: BRIP1-Related Fanconi Anemia. Identifiers: Orphanet 84, MedGen C1836860, MONDO:0012187, OMIM 609054.

Allele frequency attached by ClinVar (database versions not stated): gnomAD exomes below 0.00001.
gnomAD v4.1: 2 of 1,613,442 alleles (0.00012%); highest among the groups gnomAD compares: Non-Finnish European, 0.000085%; no homozygotes.

Submissions (6):

Ambry Genetics
Classification: Uncertain significance for Hereditary cancer-predisposing syndrome. Last evaluated: 2025-07-09. Review status: criteria provided, single submitter. Criteria: Ambry Variant Classification Scheme 2023. Collection method: clinical testing. Allele origin: germline.
Comment: The p.P957L variant (also known as c.2870C>T), located in coding exon 18 of the BRIP1 gene, results from a C to T substitution at nucleotide position 2870. The proline at codon 957 is replaced by leucine, an amino acid with similar properties. This amino acid position is poorly conserved in available vertebrate species. In addition, this alteration is predicted to be tolerated by in silico analysis. Since supporting evidence is limited at this time, the clinical significance of this alteration remains unclear.

Labcorp Genetics (formerly Invitae), Labcorp
Classification: Uncertain significance for Familial cancer of breast; Fanconi anemia complementation group J. Last evaluated: 2024-10-22. Review status: criteria provided, single submitter. Criteria: Invitae Variant Classification Sherloc (09022015). Collection method: clinical testing. Allele origin: germline.
Comment: This sequence change replaces proline, which is neutral and non-polar, with leucine, which is neutral and non-polar, at codon 957 of the BRIP1 protein (p.Pro957Leu). This variant is not present in population databases (gnomAD no frequency). This variant has not been reported in the literature in individuals affected with BRIP1-related conditions. ClinVar contains an entry for this variant (Variation ID: 186600). Invitae Evidence Modeling of protein sequence and biophysical properties (such as structural, functional, and spatial information, amino acid conservation, physicochemical variation, residue mobility, and thermodynamic stability) indicates that this missense variant is not expected to disrupt BRIP1 protein function with a negative predictive value of 95%. In summary, the available evidence is currently insufficient to determine the role of this variant in disease. Therefore, it has been classified as a Variant of Uncertain Significance.

GeneDx
Classification: Uncertain significance. Last evaluated: 2024-10-16. Review status: criteria provided, single submitter. Criteria: GeneDx Variant Classification Process June 2021. Collection method: clinical testing. Allele origin: germline. Affected: yes.
Comment: Not observed at significant frequency in large population cohorts (gnomAD); In silico analysis indicates that this missense variant does not alter protein structure/function; Has not been previously published as pathogenic or benign to our knowledge; This variant is associated with the following publications: (PMID: 11301010)

Color Diagnostics, LLC DBA Color Health
Classification: Uncertain significance for Hereditary cancer-predisposing syndrome. Last evaluated: 2024-03-07. Review status: criteria provided, single submitter. Criteria: ACMG Guidelines, 2015. Collection method: clinical testing. Allele origin: germline.
Comment: This missense variant replaces proline with leucine at codon 957 of the BRIP1 protein. Computational prediction suggests that this variant may not impact protein structure and function (internally defined REVEL score threshold <= 0.5, PMID: 27666373). To our knowledge, functional studies have not been reported for this variant. This variant has not been reported in individuals affected with hereditary cancer in the literature. This variant has not been identified in the general population by the Genome Aggregation Database (gnomAD). The available evidence is insufficient to determine the role of this variant in disease conclusively. Therefore, this variant is classified as a Variant of Uncertain Significance.

Baylor Genetics
Classification: Uncertain significance for Familial cancer of breast. Last evaluated: 2023-09-12. Review status: criteria provided, single submitter. Criteria: ACMG Guidelines, 2015. Collection method: clinical testing. Allele origin: unknown.

Quest Diagnostics Nichols Institute San Juan Capistrano
Classification: Uncertain significance. Last evaluated: 2016-08-10. Review status: criteria provided, single submitter. Criteria: Quest Diagnostics criteria. Collection method: clinical testing. Allele origin: germline.

NM_032043.3(BRIP1):c.2870C>T (p.Pro957Leu)

Gene: BRIP1 (BRCA1 interacting DNA helicase 1; minus strand). Cytogenetic location: 17q23.2.
Variant type: single nucleotide variant.
Coding change: c.2870C>T on transcript NM_032043.3 (MANE Select); coding-DNA position 2870, C replaced by T.
Protein change: p.Pro957Leu; replaces proline 957 with leucine.
Molecular consequence: missense variant.
Genome position (GRCh38, 1-based): chr17:61,685,871, G>A on the plus strand (C>T on the coding strand, the complement: BRIP1 is on the minus strand). VCF-style: chr17-61685871-G-A. GRCh37 (hg19) VCF-style: chr17-59763232-G-A.
Other names: short protein forms P957L.
Identifiers: ClinVar variation 186600 (VCV000186600.23), dbSNP rs786203077, ClinGen allele CA195288.